The following is an entry in ClinVar:

NM_000306.4(POU1F1):c.143-48C>T

Gene: POU1F1 (POU class 1 homeobox 1; minus strand). Cytogenetic location: 3p11.2.
Variant type: single nucleotide variant.
Coding change: c.143-48C>T on transcript NM_000306.4 (MANE Select); 48 bases into the intron before coding-DNA position 143, C replaced by T.
Molecular consequence: intron variant. On other transcripts: missense variant (1).
Genome position (GRCh38, 1-based): chr3:87,273,466, G>A on the plus strand (C>T on the coding strand, the complement: POU1F1 is on the minus strand). VCF-style: chr3-87273466-G-A. GRCh37 (hg19) VCF-style: chr3-87322616-G-A.
Other names: c.173C>T, p.Pro58Leu (NM_001122757.3); short protein forms P58L.
Identifiers: ClinVar variation 3352435 (VCV003352435.2).

ClinVar aggregate classification (germline): Likely benign. Review status: criteria provided, single submitter (1 of 4 stars). 2 submissions from 2 submitters: Likely benign (1). 1 of the submissions does not count toward it. Last evaluated 2024-09-27.

Conditions:
POU1F1-related disorder. Also called: POU1F1-related condition.

gnomAD v4.1: 1,296 of 1,609,664 alleles (0.081%); highest among the groups gnomAD compares: South Asian, 1.3%; 15 homozygotes.

Submissions (2):

Blueprint Genetics
Classification: Likely benign. Last evaluated: 2024-09-27. Review status: criteria provided, single submitter. Criteria: ACMG Guidelines, 2015. Collection method: clinical testing. Allele origin: germline.

PreventionGenetics, part of Exact Sciences
Classification: Benign for POU1F1-related condition. Last evaluated: 2024-03-06. Review status: no assertion criteria provided. Collection method: clinical testing. Allele origin: germline. Not counted in ClinVar's aggregate classification.
Comment: This variant is classified as benign based on ACMG/AMP sequence variant interpretation guidelines (Richards et al. 2015 PMID: 25741868, with internal and published modifications).